The following is an entry in ClinVar:

NM_007194.4(CHEK2):c.658T>A (p.Tyr220Asn)

Gene: CHEK2 (checkpoint kinase 2; minus strand). Cytogenetic location: 22q12.1.
Variant type: single nucleotide variant.
Coding change: c.658T>A on transcript NM_007194.4 (MANE Select); coding-DNA position 658, T replaced by A.
Protein change: p.Tyr220Asn; replaces tyrosine 220 with asparagine.
Molecular consequence: missense variant. On other transcripts: 5 prime UTR variant (2), intron variant (1).
Genome position (GRCh38, 1-based): chr22:28,719,420, A>T on the plus strand (T>A on the coding strand, the complement: CHEK2 is on the minus strand). VCF-style: chr22-28719420-A-T. GRCh37 (hg19) VCF-style: chr22-29115408-A-T.
Other names: c.787T>A, p.Tyr263Asn (NM_001005735.3, NM_001438294.1); c.-6T>A (NM_001257387.3, NM_001437942.1); c.751T>A, p.Tyr251Asn (NM_001438293.1, NM_001438295.1); c.658T>A, p.Tyr220Asn (NM_145862.3); c.482+5466T>A (NM_001349956.3); short protein forms Y220N, Y263N, Y251N.
Identifiers: ClinVar variation 665768 (VCV000665768.9), dbSNP rs1555924429, ClinGen allele CA411104929.
Genomic context (GRCh38, chr22:28,719,420, plus strand): 5'-AAAATTAAGTGCATTTATATAAGAAAATAATTTACCTTCCAAGAGTTTTTGACATGATGT[A>T]TTCATCTCTTAATGCCTTAGGATAAACTGACTGATCATCTACAGTCAGATCAAAAAAGAC-3'
Protein context (NP_009125.1, residues 210-230): SVYPKALRDE[Tyr220Asn]IMSKTLGSGA

ClinVar aggregate classification (germline): Uncertain significance (1 of 4 stars; one submission).

Conditions:
Familial cancer of breast. Also called: BREAST CANCER, FAMILIAL; hereditary breast carcinoma; Hereditary breast cancer. Identifiers: Orphanet 227535, MedGen C0346153, MONDO:0016419, OMIM 114480. Disease mechanism: loss of function.

Submission:

Labcorp Genetics (formerly Invitae), Labcorp
Classification: Uncertain significance for Familial cancer of breast. Last evaluated: 2021-03-29. Review status: criteria provided, single submitter. Criteria: Invitae Variant Classification Sherloc (09022015). Collection method: clinical testing. Allele origin: germline.
Comment: In summary, the available evidence is currently insufficient to determine the role of this variant in disease. Therefore, it has been classified as a Variant of Uncertain Significance. Algorithms developed to predict the effect of missense changes on protein structure and function are either unavailable or do not agree on the potential impact of this missense change (SIFT: "Deleterious"; PolyPhen-2: "Probably Damaging"; Align-GVGD: "Class C0"). This variant has not been reported in the literature in individuals with CHEK2-related conditions. This variant is not present in population databases (ExAC no frequency). This sequence change replaces tyrosine with asparagine at codon 220 of the CHEK2 protein (p.Tyr220Asn). The tyrosine residue is highly conserved and there is a large physicochemical difference between tyrosine and asparagine.